The following is an entry in ClinVar:

ClinVar aggregate classification (germline): Conflicting classifications of pathogenicity. Review status: criteria provided, conflicting classifications (1 of 4 stars). 3 submissions from 3 submitters: Uncertain significance (2); Likely benign (1). Last evaluated 2026-03-02.

Conditions:
Familial hypobetalipoproteinemia 1. Also called: APOB-Related Familial Hypobetalipoproteinemia; Hypobetalipoproteinemia, normotriglyceridemic; Acanthocytosis with hypobetalipoproteinemia. Identifiers: MedGen C4551990, MONDO:0014252, OMIM 615558.
Hypercholesterolemia, autosomal dominant, type B (FHCL2). Also called: Familial Hypercholesterolemia Type B; APOLIPOPROTEIN B-100, FAMILIAL DEFECTIVE; APOLIPOPROTEIN B-100, FAMILIAL LIGAND-DEFECTIVE; APOB-Related Familial Hypercholesterolemia, Autosomal Dominant; Familial hypercholesterolemia 2; Hyperlipoproteinemia Type IIb. Identifiers: MedGen C1704417, MONDO:0007751, OMIM 144010.
Familial hypercholesterolemia. Also called: Familial hypercholesterolemias; Familial hypercholesterolaemia. Identifiers: MedGen C0020445, MONDO:0005439.

Submissions (3):

Center for Human Genetics and Genomic Medicine, Uniklinik Rwth Aachen
Classification: Likely benign for Hypercholesterolemia, autosomal dominant, type B. Last evaluated: 2026-03-02. Review status: criteria provided, single submitter. Criteria: ACMG Guidelines, 2015. Collection method: clinical testing. Allele origin: unknown. Inheritance: Autosomal dominant inheritance. Affected: yes. Observed: 1 variant allele, 1 heterozygote.
Comment: In the general population (gnomAD v4.1.0), the variant is detected at a frequency of 0.0023% (December 8, 2025). The variant has not yet been reported in the literature. The variant causes a frameshift, which is typically associated with a loss of protein function. However, since the change is located in the C-terminal region of the protein, the transcript is highly unlikely to be subject to nonsense-mediated decay (NMD), and it is likely that this is a clinically non-relevant variant.

Fulgent Genetics
Classification: Uncertain significance for Hypercholesterolemia, autosomal dominant, type B; Familial hypobetalipoproteinemia 1. Last evaluated: 2021-08-02. Review status: criteria provided, single submitter. Criteria: ACMG Guidelines, 2015. Collection method: clinical testing. Allele origin: unknown.

Human Genome Sequencing Center Clinical Lab, Baylor College of Medicine
Classification: Uncertain significance for Familial hypercholesterolemia. Review status: criteria provided, single submitter. Criteria: ACMG Guidelines, 2015. Collection method: clinical testing. Allele origin: germline.

NM_000384.3(APOB):c.13320del (p.Glu4441fs)

Gene: APOB (apolipoprotein B; minus strand). Cytogenetic location: 2p24.1.
Variant type: Deletion.
Coding change: c.13320del on transcript NM_000384.3 (MANE Select); coding-DNA position 13320, one base deleted (T; older notation c.13320delT).
Protein change: p.Glu4441fs; shifts the reading frame from glutamic acid 4441.
Molecular consequence: frameshift variant.
Genome position (GRCh38, 1-based): chr2:21,002,102, A deleted on the plus strand (T on the coding strand, the reverse complement: APOB is on the minus strand); the first of 2 consecutive A bases (chr2:21,002,102-21,002,103); deleting either gives the same sequence. VCF-style (leftmost placement, unchanged base first): chr2-21002101-CA-C. GRCh37 (hg19) VCF-style: chr2-21224973-CA-C.
Other names: short protein forms E4441fs.
Identifiers: ClinVar variation 979090 (VCV000979090.3), dbSNP rs750076573, ClinGen allele CA052449.